The following is an entry in ClinVar:

ClinVar aggregate classification (germline): Uncertain significance. Review status: criteria provided, multiple submitters, no conflicts (2 of 4 stars). 6 submissions from 6 submitters: Uncertain significance (6). Last evaluated 2025-07-05.

Conditions:
Hereditary cancer-predisposing syndrome. Also called: Tumor predisposition; Hereditary Cancer Syndrome; Hereditary neoplastic syndrome; Neoplastic Syndromes, Hereditary. Identifiers: Orphanet 140162, MedGen C0027672, MeSH D009386, MONDO:0015356.
Colorectal cancer, susceptibility to, 1. Also called: COLORECTAL ADENOMA AND CANCER, SUSCEPTIBILITY TO; COLORECTAL CANCER, SUSCEPTIBILITY TO, ON CHROMOSOME 9. Identifiers: MedGen C1837315, MONDO:0012132, OMIM 608812.

Allele frequency attached by ClinVar (database versions not stated): gnomAD exomes 0.00002 and 0.00003; ExAC 0.00003; gnomAD 0.00003 and 0.00004; TOPMed 0.00004.
gnomAD v4.1: 41 of 1,611,948 alleles (0.0025%); highest among the groups gnomAD compares: Non-Finnish European, 0.0031%; no homozygotes.

Submissions (6):

Quest Diagnostics Nichols Institute San Juan Capistrano
Classification: Uncertain significance. Last evaluated: 2025-07-05. Review status: criteria provided, single submitter. Criteria: Quest Diagnostics criteria. Collection method: clinical testing. Allele origin: unknown.
Comment: The GALNT12 c.925A>G (p.Thr309Ala) variant has been reported in the published literature in an individual who was high risk for hereditary breast and ovarian cancer syndrome (PMID: 38874686 (2024)). The frequency of this variant in the general population (Genome Aggregation Database) is uninformative in the assessment of its pathogenicity. Analysis of this variant using bioinformatics tools for the prediction of the effect of amino acid changes on protein structure and function yielded predictions that this variant is damaging. Based on the available information, we are unable to determine the clinical significance of this variant.

Institute for Biomarker Research, Medical Diagnostic Laboratories, L.L.C.
Classification: Uncertain significance for Hereditary cancer-predisposing syndrome. Last evaluated: 2025-01-15. Review status: criteria provided, single submitter. Criteria: ACMG Guidelines, 2015. Collection method: clinical testing. Allele origin: germline.
Comment: The missense variant NM_024642.5(GALNT12):c.925A>G (p.Thr309Ala) has not been reported previously as a pathogenic variant nor as a benign variant, to our knowledge. There is a small physicochemical difference between threonine and alanine, which is not likely to impact secondary protein structure as these residues share similar properties. The p.Thr309Ala missense variant is predicted to be damaging by both SIFT and PolyPhen2. The threonine residue at codon 309 of GALNT12 is conserved in all mammalian species. The nucleotide c.925 in GALNT12 is predicted conserved by GERP++ and PhyloP across 100 vertebrates. For these reasons, this variant has been classified as Uncertain Significance.

Labcorp Genetics (formerly Invitae), Labcorp
Classification: Uncertain significance. Last evaluated: 2024-12-18. Review status: criteria provided, single submitter. Criteria: Invitae Variant Classification Sherloc (09022015). Collection method: clinical testing. Allele origin: germline.
Comment: This sequence change replaces threonine, which is neutral and polar, with alanine, which is neutral and non-polar, at codon 309 of the GALNT12 protein (p.Thr309Ala). This variant is present in population databases (rs773891669, gnomAD 0.008%). This variant has not been reported in the literature in individuals affected with GALNT12-related conditions. ClinVar contains an entry for this variant (Variation ID: 410577). Invitae Evidence Modeling of protein sequence and biophysical properties (such as structural, functional, and spatial information, amino acid conservation, physicochemical variation, residue mobility, and thermodynamic stability) indicates that this missense variant is not expected to disrupt GALNT12 protein function with a negative predictive value of 80%. In summary, the available evidence is currently insufficient to determine the role of this variant in disease. Therefore, it has been classified as a Variant of Uncertain Significance.

Department of Pathology and Laboratory Medicine, Sinai Health System
Classification: Uncertain significance for Colorectal cancer, susceptibility to, 1. Last evaluated: 2024-04-29. Review status: criteria provided, single submitter. Criteria: ACMG Guidelines, 2015. Collection method: clinical testing. Allele origin: germline. Affected: yes.

Ambry Genetics
Classification: Uncertain significance. Last evaluated: 2024-03-25. Review status: criteria provided, single submitter. Criteria: Ambry Variant Classification Scheme 2023. Collection method: clinical testing. Allele origin: germline.
Comment: The p.T309A variant (also known as c.925A>G), located in coding exon 5 of the GALNT12 gene, results from an A to G substitution at nucleotide position 925. The threonine at codon 309 is replaced by alanine, an amino acid with similar properties. This amino acid position is highly conserved in available vertebrate species. In addition, this alteration is predicted to be deleterious by in silico analysis. Since supporting evidence is limited at this time, the clinical significance of this alteration remains unclear.

Baylor Genetics
Classification: Uncertain significance for Colorectal cancer, susceptibility to, 1. Last evaluated: 2023-09-29. Review status: criteria provided, single submitter. Criteria: ACMG Guidelines, 2015. Collection method: clinical testing. Allele origin: unknown.

Literature cited by the submitters: PubMed 38874686 (cited by Quest Diagnostics Nichols Institute San Juan Capistrano).

NM_024642.5(GALNT12):c.925A>G (p.Thr309Ala)

Gene: GALNT12 (polypeptide N-acetylgalactosaminyltransferase 12; plus strand). Cytogenetic location: 9q22.33.
Variant type: single nucleotide variant.
Coding change: c.925A>G on transcript NM_024642.5 (MANE Select); coding-DNA position 925, A replaced by G.
Protein change: p.Thr309Ala; replaces threonine 309 with alanine.
Molecular consequence: missense variant.
Genome position (GRCh38, 1-based): chr9:98,835,256, A>G. VCF-style: chr9-98835256-A-G. GRCh37 (hg19) VCF-style: chr9-101597538-A-G.
Other names: short protein forms T309A.
Identifiers: ClinVar variation 410577 (VCV000410577.18), dbSNP rs773891669, ClinGen allele CA5154120.